The following is an entry in ClinVar:

NM_030662.4(MAP2K2):c.183A>T (p.Lys61Asn)

Gene: MAP2K2 (mitogen-activated protein kinase kinase 2; minus strand). Cytogenetic location: 19p13.3.
Variant type: single nucleotide variant.
Coding change: c.183A>T on transcript NM_030662.4 (MANE Select); coding-DNA position 183, A replaced by T.
Protein change: p.Lys61Asn; replaces lysine 61 with asparagine.
Molecular consequence: missense variant.
Genome position (GRCh38, 1-based): chr19:4,117,539, T>A on the plus strand (A>T on the coding strand, the complement: MAP2K2 is on the minus strand). VCF-style: chr19-4117539-T-A. GRCh37 (hg19) VCF-style: chr19-4117537-T-A.
Other names: short protein forms K61N.
Identifiers: ClinVar variation 505022 (VCV000505022.8), dbSNP rs886041310, ClinGen allele CA403392690.

ClinVar aggregate classification (germline): Conflicting classifications of pathogenicity. Review status: criteria provided, conflicting classifications (1 of 4 stars). 5 submissions from 5 submitters: Pathogenic (1); Likely pathogenic (1); Uncertain significance (1). 2 of the submissions do not count toward it. Last evaluated 2025-08-12.

Conditions:
RASopathy. Also called: rasopathies; Noonan spectrum disorder. Identifiers: Orphanet 536391, MedGen C5555857, MONDO:0021060.
Noonan syndrome with multiple lentigines. Identifiers: Orphanet 500, MedGen C0175704, MONDO:0007893.
Noonan syndrome 1 (NS1). Also called: PTPN11-Related Noonan Syndrome; TURNER PHENOTYPE WITH NORMAL KARYOTYPE; FEMALE PSEUDO-TURNER SYNDROME. Identifiers: Orphanet 648, MedGen C4551602, MONDO:0008104, OMIM 163950. Disease mechanism: gain of function.

Submissions (5):

Labcorp Genetics (formerly Invitae), Labcorp
Classification: Pathogenic for RASopathy. Last evaluated: 2025-08-12. Review status: criteria provided, single submitter. Criteria: Invitae Variant Classification Sherloc (09022015). Collection method: clinical testing. Allele origin: germline.
Comment: This sequence change replaces lysine, which is basic and polar, with asparagine, which is neutral and polar, at codon 61 of the MAP2K2 protein (p.Lys61Asn). This variant is not present in population databases (gnomAD no frequency). This missense change has been observed in individual(s) with cardio-facio-cutaneous syndrome (PMID: 32901917, 34184824). In at least one individual the variant was observed to be de novo. ClinVar contains an entry for this variant (Variation ID: 505022). Invitae Evidence Modeling of protein sequence and biophysical properties (such as structural, functional, and spatial information, amino acid conservation, physicochemical variation, residue mobility, and thermodynamic stability) indicates that this missense variant is expected to disrupt MAP2K2 protein function with a positive predictive value of 80%. This variant disrupts the p.Lys61 amino acid residue in MAP2K2. Other variant(s) that disrupt this residue have been determined to be pathogenic (PMID: 17366577, 24719372, 25326637). This suggests that this residue is clinically significant, and that variants that disrupt this residue are likely to be disease-causing. For these reasons, this variant has been classified as Pathogenic.

GeneDx
Classification: Likely pathogenic. Last evaluated: 2023-05-15. Review status: criteria provided, single submitter. Criteria: GeneDx Variant Classification Process June 2021. Collection method: clinical testing. Allele origin: germline. Affected: yes.
Comment: Missense variants in this gene are often considered pathogenic (HGMD); In silico analysis supports that this missense variant has a deleterious effect on protein structure/function; Not observed at significant frequency in large population cohorts (gnomAD); This variant is associated with the following publications: (PMID: 25370473, 22753777, 19156172, 26399658, 22177953, 29493581, 34184824)

Laboratory for Molecular Medicine, Mass General Brigham Personalized Medicine
Classification: Uncertain significance. Last evaluated: 2016-05-06. Review status: criteria provided, single submitter. Criteria: LMM Criteria. Collection method: clinical testing. Allele origin: germline. Observed: 1 variant allele.
Comment: Variant classified as Uncertain Significance - Favor Pathogenic. The p.Lys61Asn variant in MAP2K2 has not been previously reported in individuals with Noonan sp ectrum disorders or in large population studies. However, another variant (p.Lys 61Glu) at the same codon was identified in two probands with clinical features o f Cardio-facio-cutaneous syndrome, and a third variant (p.Lys61Thr) at the same codon was reported to have occurred de novo in one proband with a RASopathy (Nar umi 2007, Nava 2007, Wong Ramsey 2014), suggesting that changes at this position may not be tolerated. Computational prediction tools and conservation analysis do not provide strong support for or against an impact to the protein. In summar y, while there is some suspicion for a pathogenic role, the clinical significanc e of the p.Lys61Asn variant is uncertain.

Molecular Genetics, Centre for Human Genetics
Classification: Uncertain significance for Noonan syndrome 1. Review status: no assertion criteria provided. Collection method: clinical testing. Allele origin: de novo. Inheritance: Autosomal dominant inheritance. Affected: yes. Observed: 1 variant allele. Not counted in ClinVar's aggregate classification.

Service de Génétique Moléculaire, Hôpital Robert Debré
Classification: Uncertain significance for Noonan syndrome with multiple lentigines. Review status: no assertion criteria provided. Collection method: clinical testing. Allele origin: unknown. Affected: yes. Not counted in ClinVar's aggregate classification.

Literature cited by the submitters: PubMed 32901917 (cited by Labcorp Genetics (formerly Invitae), Labcorp); PubMed 34184824 (cited by Labcorp Genetics (formerly Invitae), Labcorp); PubMed 17366577 (cited by Labcorp Genetics (formerly Invitae), Labcorp and Laboratory for Molecular Medicine, Mass General Brigham Personalized Medicine); PubMed 24719372 (cited by Labcorp Genetics (formerly Invitae), Labcorp and Laboratory for Molecular Medicine, Mass General Brigham Personalized Medicine); PubMed 25326637 (cited by Labcorp Genetics (formerly Invitae), Labcorp).